The following is an entry in ClinVar:

NM_003070.5(SMARCA2):c.4264C>A (p.Gln1422Lys)

Gene: SMARCA2 (SWI/SNF related BAF chromatin remodeling complex subunit ATPase 2; plus strand). Cytogenetic location: 9p24.3.
Variant type: single nucleotide variant.
Coding change: c.4264C>A on transcript NM_003070.5 (MANE Select); coding-DNA position 4264, C replaced by A.
Protein change: p.Gln1422Lys; replaces glutamine 1422 with lysine.
Molecular consequence: missense variant.
Genome position (GRCh38, 1-based): chr9:2,181,581, C>A. VCF-style: chr9-2181581-C-A. GRCh37 (hg19) VCF-style: chr9-2181581-C-A.
Other names: c.4264C>A, p.Gln1422Lys (NM_001289396.2); c.4036C>A, p.Gln1346Lys (NM_001289397.2); c.238C>A, p.Gln80Lys (NM_001289398.2); c.322C>A, p.Gln108Lys (NM_001289399.2); c.328C>A, p.Gln110Lys (NM_001289400.2); c.4210C>A, p.Gln1404Lys (NM_139045.4); short protein forms Q108K, Q110K, Q1346K, Q1404K, Q1422K, Q80K.
Identifiers: ClinVar variation 4881521 (VCV004881521.2).
Genomic context (GRCh38, chr9:2,181,581, plus strand): 5'-TCAGTAATGTTTGATGTGGCTTGTTTTTGTTTGTTTCACCCATCCTACAGTTCAGGGCGA[C>A]AGCTCAGTGAAGTCTTCATTCAGTTACCTTCAAGGAAAGAATTACCAGAATACTATGAAT-3'
Protein context (NP_003061.3, residues 1412-1432): LEIEGNSSGR[Gln1422Lys]LSEVFIQLPS

ClinVar aggregate classification (germline): Uncertain significance (1 of 4 stars; one submission).

Submission:

Dasa
Classification: Uncertain significance. Last evaluated: 2025-08-15. Review status: criteria provided, single submitter. Criteria: DASA Assertion Criteria. Collection method: clinical testing. Allele origin: germline.
Comment: NM_003070.5(SMARCA2):c.4264C>A (p.Gln1422Lys) is a missense variant that results in the substitution of glutamine with lysine. This variant is rare in population databases. The currently available literature and clinical evidence are not sufficient to establish a definitive association between this variant and the reported condition. Therefore, this variant is classified as a variant of uncertain significance.